The following is an entry in ClinVar:

ClinVar aggregate classification (germline): Uncertain significance (1 of 4 stars; one submission).

Conditions:
ALMS1-related disorder. Also called: ALMS1-related condition.

Submission:

PreventionGenetics, part of Exact Sciences
Classification: Uncertain significance for ALMS1-related condition. Last evaluated: 2024-12-27. Review status: criteria provided, single submitter. Criteria: ACMG Guidelines, 2015. Collection method: clinical testing. Allele origin: germline.
Comment: The ALMS1 c.8623C>A variant is predicted to result in the amino acid substitution p.Leu2875Ile. To our knowledge, this variant has not been reported in the literature. This variant is reported in 0.0083% of alleles in individuals of African descent in gnomAD. At this time, the clinical significance of this variant is uncertain due to the absence of conclusive functional and genetic evidence.

NM_001378454.1(ALMS1):c.8620C>A (p.Pro2874Thr)

Gene: ALMS1 (ALMS1 centrosome and basal body associated protein; plus strand). Cytogenetic location: 2p13.1.
Variant type: single nucleotide variant.
Coding change: c.8620C>A on transcript NM_001378454.1 (MANE Select); coding-DNA position 8620, C replaced by A.
Protein change: p.Pro2874Thr; replaces proline 2874 with threonine.
Molecular consequence: missense variant.
Genome position (GRCh38, 1-based): chr2:73,490,579, C>A. VCF-style: chr2-73490579-C-A. GRCh37 (hg19) VCF-style: chr2-73717706-C-A.
Other names: c.8623C>A, p.Pro2875Thr (NM_015120.4); short protein forms P2874T, P2875T.
Identifiers: ClinVar variation 4987833 (VCV004987833.1).